The following is an entry in ClinVar:

NM_033004.4(NLRP1):c.2182_2186delinsTTGTACGAGACTT (p.Lys728fs)

Gene: NLRP1 (NLR family pyrin domain containing 1; minus strand). Cytogenetic location: 17p13.2.
Variant type: Indel.
Coding change: c.2182_2186delinsTTGTACGAGACTT on transcript NM_033004.4 (MANE Select); coding-DNA positions 2182 to 2186, AAAAC replaced by TTGTACGAGACTT.
Protein change: p.Lys728fs; shifts the reading frame from lysine 728.
Molecular consequence: frameshift variant.
Genome position (GRCh38, 1-based): chr17:5,558,510-5,558,514, GTTTT replaced by AAGTCTCGTACAA on the plus strand (AAAAC replaced by TTGTACGAGACTT on the coding strand, the reverse complement: NLRP1 is on the minus strand). VCF-style: chr17-5558510-GTTTT-AAGTCTCGTACAA. GRCh37 (hg19) VCF-style: chr17-5461830-GTTTT-AAGTCTCGTACAA.
Other names: c.2182_2186delinsTTGTACGAGACTT, p.Lys728fs (NM_001033053.3, NM_014922.5, NM_033006.4 and 1 more transcripts); short protein forms K728fs.
Identifiers: ClinVar variation 1711426 (VCV001711426.30), dbSNP rs2507935305, ClinGen allele CA2580093547.

ClinVar aggregate classification (germline): Uncertain significance (1 of 4 stars; one submission).

Submission:

CeGaT Center for Human Genetics Tuebingen
Classification: Uncertain significance. Last evaluated: 2022-08-01. Review status: criteria provided, single submitter. Criteria: CeGaT Center For Human Genetics Tuebingen Variant Classification Criteria Version 2. Collection method: clinical testing. Allele origin: germline. Affected: yes. Observed: 1 variant allele.
Comment: NLRP1: PM2